The following is an entry in ClinVar:

ClinVar aggregate classification (germline): Likely pathogenic (1 of 4 stars; one submission).

Conditions:
Encephalopathy, acute, infection-induced (herpes-specific), susceptibility to, 1. Also called: Herpes simplex encephalitis, susceptibility to, 1. Identifiers: Orphanet 1930, MedGen C2750180, MONDO:0024563, OMIM 610551.

Allele frequency attached by ClinVar (database versions not stated): gnomAD exomes below 0.00001; TOPMed below 0.00001.
gnomAD v4.1: 2 of 1,613,924 alleles (0.00012%); highest among the groups gnomAD compares: Non-Finnish European, 0.00017%; no homozygotes.

Submission:

Labcorp Genetics (formerly Invitae), Labcorp
Classification: Likely pathogenic for Encephalopathy, acute, infection-induced (herpes-specific), susceptibility to, 1. Last evaluated: 2024-01-18. Review status: criteria provided, single submitter. Criteria: Invitae Variant Classification Sherloc (09022015). Collection method: clinical testing. Allele origin: germline.
Comment: This sequence change affects a donor splice site in intron 6 of the UNC93B1 gene. It is expected to disrupt RNA splicing. Variants that disrupt the donor or acceptor splice site typically lead to a loss of protein function (PMID: 16199547), and loss-of-function variants in UNC93B1 are known to be pathogenic (PMID: 16973841). This variant is present in population databases (no rsID available, gnomAD 0.0009%). This variant has not been reported in the literature in individuals affected with UNC93B1-related conditions. Algorithms developed to predict the effect of sequence changes on RNA splicing suggest that this variant may disrupt the consensus splice site. In summary, the currently available evidence indicates that the variant is pathogenic, but additional data are needed to prove that conclusively. Therefore, this variant has been classified as Likely Pathogenic.

Literature cited by the submitters: PubMed 16199547; PubMed 16973841.

NM_030930.4(UNC93B1):c.781+1G>A

Gene: UNC93B1 (unc-93B1 regulator of TLR signaling; minus strand). Cytogenetic location: 11q13.2.
Variant type: single nucleotide variant.
Coding change: c.781+1G>A on transcript NM_030930.4 (MANE Select); the canonical splice donor site of the intron after coding-DNA position 781, G replaced by A.
Molecular consequence: splice donor variant.
Genome position (GRCh38, 1-based): chr11:67,998,358, C>T on the plus strand (G>A on the coding strand, the complement: UNC93B1 is on the minus strand). VCF-style: chr11-67998358-C-T. GRCh37 (hg19) VCF-style: chr11-67765828-C-T.
Identifiers: ClinVar variation 2710002 (VCV002710002.3), dbSNP rs1462011435, ClinGen allele CA381574184.
Genomic context (GRCh38, chr11:67,998,358, plus strand): 5'-TGTCTGCTGGGGAAGTAAGCAGGCTTTGTGGACTCCTCCCCAACCCCCAACAAGGACTAA[C>T]CGCAGCTCTGCACATTGTACAGCGTGTGGTTCAGGTCATACAGGTAGTGGTTCAGGAAAT-3'